The following is an entry in ClinVar:

ClinVar aggregate classification (germline): Likely pathogenic (1 of 4 stars; one submission).

Conditions:
MPI-congenital disorder of glycosylation. Also called: CONGENITAL DISORDER OF GLYCOSYLATION, TYPE Ib; CDG Ib; MANNOSEPHOSPHATE ISOMERASE DEFICIENCY; PROTEIN-LOSING ENTEROPATHY-HEPATIC FIBROSIS SYNDROME; MPI-CDG; MPI DEFICIENCY. Identifiers: Orphanet 79319, MedGen C1865145, MONDO:0011257, OMIM 602579.

Submission:

Natera, Inc.
Classification: Likely pathogenic for Congenital disorder of glycosylation type 1b. Last evaluated: 2026-01-22. Review status: criteria provided, single submitter. Criteria: Natera Variant Classification Schema (03/2026). Collection method: clinical testing. Allele origin: germline.
Comment: The c.47_66delATGCCTGGGGGAAGATGGGT variant in MPI is a frameshift variant predicted to shift the reading frame beginning at codon 16 and leads to a stop codon 13 codons downstream. This variant is expected to result in nonsense mediated decay, truncation, or a dysfunctional protein product. This variant is rare in the general population with a frequency below the threshold expected for the associated phenotype(s). Given the available evidence, this variant is classified as Likely Pathogenic.

NM_002435.3(MPI):c.47_66del (p.Tyr16fs)

Gene: MPI (mannose phosphate isomerase; plus strand). Cytogenetic location: 15q24.1.
Variant type: Deletion.
Coding change: c.47_66del on transcript NM_002435.3 (MANE Select); coding-DNA positions 47 to 66, 20 bases deleted (ATGCCTGGGGGAAGATGGGT).
Protein change: p.Tyr16fs; shifts the reading frame from tyrosine 16.
Molecular consequence: frameshift variant. On other transcripts: initiator codon variant (1), intron variant (1).
Genome position (GRCh38, 1-based): chr15:74,890,557-74,890,576, ATGCCTGGGGGAAGATGGGT deleted; deleting any 20 consecutive bases within chr15:74,890,555-74,890,576 gives the same sequence; the c. name uses the placement nearest the transcript's 3' end. VCF-style (leftmost placement, unchanged base first): chr15-74890554-AGTATGCCTGGGGGAAGATGG-A. GRCh37 (hg19) VCF-style: chr15-75182895-AGTATGCCTGGGGGAAGATGG-A.
Other names: c.47_66del, p.Tyr16fs (NM_001289155.2, NM_001289157.2); c.-14_6del, p.Met1fs (NM_001330372.2); c.-7+468_-7+487del (NM_001289156.2); short protein forms M1fs, Y16fs.
Identifiers: ClinVar variation 4815040 (VCV004815040.1).